The following is an entry in ClinVar:

ClinVar aggregate classification (germline): Likely pathogenic (1 of 4 stars; one submission).

Conditions:
Developmental and epileptic encephalopathy, 29 (DEE29). Also called: Epileptic encephalopathy, early infantile, 29. Identifiers: Orphanet 442835, MedGen C4225361, MONDO:0014593, OMIM 616339.

Submission:

Women's Health and Genetics/Laboratory Corporation of America, LabCorp
Classification: Likely pathogenic for Developmental and epileptic encephalopathy, 29. Last evaluated: 2025-03-17. Review status: criteria provided, single submitter. Criteria: LabCorp Variant Classification Summary - May 2015. Collection method: clinical testing. Allele origin: germline.
Comment: Variant summary: AARS1 c.963-2A>G is located in a canonical splice-site and is predicted to affect mRNA splicing resulting in a significantly altered protein due to either exon skipping, shortening, or inclusion of intronic material. Variants that disrupt the consensus splice site are a relatively common cause of aberrant splicing and loss of AARS1 function. Several computational tools predict a significant impact on normal splicing: Four predict the variant abolishes a 3' acceptor site. However, these predictions have yet to be confirmed by functional studies. The variant was absent in 251400 control chromosomes. To our knowledge, no occurrence of c.963-2A>G in individuals affected with Developmental and epileptic encephalopathy, 29 and no experimental evidence demonstrating its impact on protein function have been reported. No submitters have cited clinical-significance assessments for this variant to ClinVar. Based on the evidence outlined above, the variant was classified as likely pathogenic.

NM_001605.3(AARS1):c.963-2A>G

Gene: AARS1 (alanyl-tRNA synthetase 1; minus strand). Cytogenetic location: 16q22.1.
Variant type: single nucleotide variant.
Coding change: c.963-2A>G on transcript NM_001605.3 (MANE Select); the canonical splice acceptor site of the intron before coding-DNA position 963, A replaced by G.
Molecular consequence: splice acceptor variant.
Genome position (GRCh38, 1-based): chr16:70,268,381, T>C on the plus strand (A>G on the coding strand, the complement: AARS1 is on the minus strand). VCF-style: chr16-70268381-T-C. GRCh37 (hg19) VCF-style: chr16-70302284-T-C.
Identifiers: ClinVar variation 3895603 (VCV003895603.1).